The following is an entry in ClinVar:

ClinVar aggregate classification (germline): Pathogenic (1 of 4 stars; one submission).

Conditions:
Fanconi anemia (FA). Also called: Fanconi's anemia. Identifiers: Orphanet 84, MedGen C0015625, MeSH D005199, MONDO:0019391.

Submission:

Labcorp Genetics (formerly Invitae), Labcorp
Classification: Pathogenic for Fanconi anemia. Last evaluated: 2022-06-28. Review status: criteria provided, single submitter. Criteria: Invitae Variant Classification Sherloc (09022015). Collection method: clinical testing. Allele origin: germline.
Comment: This variant is not present in population databases (gnomAD no frequency). For these reasons, this variant has been classified as Pathogenic. Algorithms developed to predict the effect of sequence changes on RNA splicing suggest that this variant may disrupt the consensus splice site. This variant is also known as g.2043A>G. Disruption of this splice site has been observed in individuals with Fanconi anemia (PMID: 27041517, 33088445). This sequence change affects an acceptor splice site in intron 2 of the FANCA gene. It is expected to disrupt RNA splicing. Variants that disrupt the donor or acceptor splice site typically lead to a loss of protein function (PMID: 16199547), and loss-of-function variants in FANCA are known to be pathogenic (PMID: 19367192).

Literature cited by the submitters: PubMed 27041517; PubMed 33088445; PubMed 16199547; PubMed 19367192.

NM_000135.4(FANCA):c.190-2A>G

Gene: FANCA (FA complementation group A; minus strand). Cytogenetic location: 16q24.3.
Variant type: single nucleotide variant.
Coding change: c.190-2A>G on transcript NM_000135.4 (MANE Select); the canonical splice acceptor site of the intron before coding-DNA position 190, A replaced by G.
Molecular consequence: splice acceptor variant.
Genome position (GRCh38, 1-based): chr16:89,814,615, T>C on the plus strand (A>G on the coding strand, the complement: FANCA is on the minus strand). VCF-style: chr16-89814615-T-C. GRCh37 (hg19) VCF-style: chr16-89881023-T-C.
Other names: c.190-2A>G (NM_001286167.3, NM_001351830.2, NM_001018112.3).
Identifiers: ClinVar variation 2137865 (VCV002137865.4), dbSNP rs183350210, ClinGen allele CA397482668.